The following is an entry in ClinVar:

ClinVar aggregate classification (germline): Uncertain significance (1 of 4 stars; one submission).

Submission:

Labcorp Genetics (formerly Invitae), Labcorp
Classification: Uncertain significance. Last evaluated: 2024-04-27. Review status: criteria provided, single submitter. Criteria: Invitae Variant Classification Sherloc (09022015). Collection method: clinical testing. Allele origin: germline.
Comment: This variant, c.2868_2873del, results in the deletion of 2 amino acid(s) of the CTR9 protein (p.Lys958_Lys959del), but otherwise preserves the integrity of the reading frame. This variant is present in population databases (rs775516474, gnomAD 0.003%). This variant has not been reported in the literature in individuals affected with CTR9-related conditions. ClinVar contains an entry for this variant (Variation ID: 1414356). Experimental studies and prediction algorithms are not available or were not evaluated, and the functional significance of this variant is currently unknown. In summary, the available evidence is currently insufficient to determine the role of this variant in disease. Therefore, it has been classified as a Variant of Uncertain Significance.

NM_014633.5(CTR9):c.2868_2873del (p.Lys958_Lys959del)

Gene: CTR9 (CTR9 component of Paf1/RNA polymerase II complex; plus strand). Cytogenetic location: 11p15.4.
Variant type: Deletion.
Coding change: c.2868_2873del on transcript NM_014633.5 (MANE Select); coding-DNA positions 2868 to 2873, 6 bases deleted (GAAGAA; older notation c.2868_2873delGAAGAA).
Protein change: p.Lys958_Lys959del.
Molecular consequence: inframe deletion.
Genome position (GRCh38, 1-based): chr11:10,774,152-10,774,157, GAAGAA deleted; deleting any 6 consecutive bases within chr11:10,774,150-10,774,157 gives the same sequence; the c. name uses the placement nearest the transcript's 3' end. VCF-style (leftmost placement, unchanged base first): chr11-10774149-AAAGAAG-A. GRCh37 (hg19) VCF-style: chr11-10795696-AAAGAAG-A.
Other names: c.2796_2801del, p.Lys934_Lys935del (NM_001346279.2).
Identifiers: ClinVar variation 1414356 (VCV001414356.6), dbSNP rs775516474, ClinGen allele CA5885430.